The following is an entry in ClinVar:

ClinVar aggregate classification (germline): Uncertain significance. Review status: criteria provided, multiple submitters, no conflicts (2 of 4 stars). 3 submissions from 3 submitters: Uncertain significance (3). Last evaluated 2026-04-11.

Conditions:
Hereditary cancer-predisposing syndrome. Also called: Hereditary Cancer Syndrome; Neoplastic Syndromes, Hereditary; Tumor predisposition; Hereditary neoplastic syndrome. Identifiers: Orphanet 140162, MedGen C0027672, MeSH D009386, MONDO:0015356.
Fanconi anemia complementation group O. Also called: RAD51C-Related Fanconi Anemia. Identifiers: Orphanet 84, MedGen C3150653, MONDO:0013248, OMIM 613390.

Allele frequency attached by ClinVar (database versions not stated): gnomAD exomes below 0.00001; TOPMed 0.00001.
gnomAD v4.1: 1 of 1,614,176 alleles (0.000062%); highest among the groups gnomAD compares: South Asian, 0.0011%; no homozygotes.

Submissions (3):

Women's Health and Genetics/Laboratory Corporation of America, LabCorp
Classification: Uncertain significance. Last evaluated: 2026-04-11. Review status: criteria provided, single submitter. Criteria: LabCorp Variant Classification Summary - May 2015. Collection method: clinical testing. Allele origin: germline.

Labcorp Genetics (formerly Invitae), Labcorp
Classification: Uncertain significance for Fanconi anemia complementation group O. Last evaluated: 2025-12-10. Review status: criteria provided, single submitter. Criteria: Invitae Variant Classification Sherloc (09022015). Collection method: clinical testing. Allele origin: germline.
Comment: This sequence change replaces lysine, which is basic and polar, with glutamic acid, which is acidic and polar, at codon 186 of the RAD51C protein (p.Lys186Glu). This variant is not present in population databases (gnomAD no frequency). This variant has not been reported in the literature in individuals affected with RAD51C-related conditions. ClinVar contains an entry for this variant (Variation ID: 825833). An algorithm developed to predict the effect of missense changes on protein structure and function (PolyPhen-2) suggests that this variant is likely to be tolerated. In summary, the available evidence is currently insufficient to determine the role of this variant in disease. Therefore, it has been classified as a Variant of Uncertain Significance.

Ambry Genetics
Classification: Uncertain significance for Hereditary cancer-predisposing syndrome. Last evaluated: 2022-03-26. Review status: criteria provided, single submitter. Criteria: Ambry Variant Classification Scheme 2023. Collection method: clinical testing. Allele origin: germline.
Comment: The p.K186E variant (also known as c.556A>G), located in coding exon 3 of the RAD51C gene, results from an A to G substitution at nucleotide position 556. The lysine at codon 186 is replaced by glutamic acid, an amino acid with similar properties. This amino acid position is poorly conserved in available vertebrate species. In addition, this alteration is predicted to be tolerated by in silico analysis. Since supporting evidence is limited at this time, the clinical significance of this alteration remains unclear.

NM_058216.3(RAD51C):c.556A>G (p.Lys186Glu)

Gene: RAD51C (RAD51 paralog C; plus strand). Cytogenetic location: 17q22.
Variant type: single nucleotide variant.
Coding change: c.556A>G on transcript NM_058216.3 (MANE Select); coding-DNA position 556, A replaced by G.
Protein change: p.Lys186Glu; replaces lysine 186 with glutamic acid.
Molecular consequence: missense variant.
Genome position (GRCh38, 1-based): chr17:58,696,844, A>G. VCF-style: chr17-58696844-A-G. GRCh37 (hg19) VCF-style: chr17-56774205-A-G.
Other names: short protein forms K186E.
Identifiers: ClinVar variation 825833 (VCV000825833.8), dbSNP rs1363104728, ClinGen allele CA400345401.